The following is an entry in ClinVar:

NM_005708.5(GPC6):c.83G>C (p.Arg28Pro)

Gene: GPC6 (glypican 6; plus strand). Cytogenetic location: 13q31.3.
Variant type: single nucleotide variant.
Coding change: c.83G>C on transcript NM_005708.5 (MANE Select); coding-DNA position 83, G replaced by C.
Protein change: p.Arg28Pro; replaces arginine 28 with proline.
Molecular consequence: missense variant.
Genome position (GRCh38, 1-based): chr13:93,227,539, G>C. VCF-style: chr13-93227539-G-C. GRCh37 (hg19) VCF-style: chr13-93879792-G-C.
Other names: short protein forms R28P.
Identifiers: ClinVar variation 1446156 (VCV001446156.5), dbSNP rs762753048, ClinGen allele CA7016760.

ClinVar aggregate classification (germline): Uncertain significance (1 of 4 stars; one submission).

Allele frequency attached by ClinVar (database versions not stated): ExAC 0.00001; gnomAD 0.00001; gnomAD exomes 0.00001 and 0.00002.
gnomAD v4.1: 6 of 1,613,454 alleles (0.00037%); highest among the groups gnomAD compares: Admixed American, 0.01%; no homozygotes.

Submission:

Labcorp Genetics (formerly Invitae), Labcorp
Classification: Uncertain significance. Last evaluated: 2022-02-05. Review status: criteria provided, single submitter. Criteria: Invitae Variant Classification Sherloc (09022015). Collection method: clinical testing. Allele origin: germline.
Comment: This sequence change replaces arginine, which is basic and polar, with proline, which is neutral and non-polar, at codon 28 of the GPC6 protein (p.Arg28Pro). This variant is present in population databases (rs762753048, gnomAD 0.01%). This variant has not been reported in the literature in individuals affected with GPC6-related conditions. Algorithms developed to predict the effect of missense changes on protein structure and function are either unavailable or do not agree on the potential impact of this missense change (SIFT: "Tolerated"; PolyPhen-2: "Possibly Damaging"; Align-GVGD: "Class C0"). In summary, the available evidence is currently insufficient to determine the role of this variant in disease. Therefore, it has been classified as a Variant of Uncertain Significance.